The following is an entry in ClinVar:

NM_002691.4(POLD1):c.2533A>G (p.Thr845Ala)

Gene: POLD1 (DNA polymerase delta 1, catalytic subunit; plus strand). Cytogenetic location: 19q13.33.
Variant type: single nucleotide variant.
Coding change: c.2533A>G on transcript NM_002691.4 (MANE Select); coding-DNA position 2533, A replaced by G.
Protein change: p.Thr845Ala; replaces threonine 845 with alanine.
Molecular consequence: missense variant. On other transcripts: non-coding transcript variant (1).
Genome position (GRCh38, 1-based): chr19:50,414,959, A>G. VCF-style: chr19-50414959-A-G. GRCh37 (hg19) VCF-style: chr19-50918216-A-G.
Other names: c.2533A>G, p.Thr845Ala (NM_001256849.1); c.2611A>G, p.Thr871Ala (NM_001308632.1); short protein forms T845A, T871A.
Identifiers: ClinVar variation 3222723 (VCV003222723.1), dbSNP rs2514048866, ClinGen allele CA406985199.
Genomic context (GRCh38, chr19:50,414,959, plus strand): 5'-GACTGCAAGGGCCTGGAGGCCGTGCGCAGGGACAACTGCCCCCTCGTGGCCAACCTGGTC[A>G]CTGCCTCACTGCGCCGCCTGCTCATCGACCGGTGTGTGGGGCCTCCTCCCTCAGACTCAG-3'
Protein context (NP_002682.2, residues 835-855): DNCPLVANLV[Thr845Ala]ASLRRLLIDR

ClinVar aggregate classification (germline): Uncertain significance (1 of 4 stars; one submission).

Conditions:
Hereditary cancer-predisposing syndrome. Also called: Tumor predisposition; Hereditary neoplastic syndrome; Hereditary Cancer Syndrome; Neoplastic Syndromes, Hereditary. Identifiers: Orphanet 140162, MedGen C0027672, MeSH D009386, MONDO:0015356.

Submission:

Ambry Genetics
Classification: Uncertain significance for Hereditary cancer-predisposing syndrome. Last evaluated: 2023-12-14. Review status: criteria provided, single submitter. Criteria: Ambry Variant Classification Scheme 2023. Collection method: clinical testing. Allele origin: germline.
Comment: The p.T845A variant (also known as c.2533A>G), located in coding exon 19 of the POLD1 gene, results from an A to G substitution at nucleotide position 2533. The threonine at codon 845 is replaced by alanine, an amino acid with similar properties. This amino acid position is conserved. In addition, this alteration is predicted to be tolerated by in silico analysis. Since supporting evidence is limited at this time, the clinical significance of this alteration remains unclear.